The following is an entry in ClinVar:

ClinVar aggregate classification (germline): Uncertain significance. Review status: criteria provided, multiple submitters, no conflicts (2 of 4 stars). 2 submissions from 2 submitters: Uncertain significance (2). Last evaluated 2024-04-30.

Conditions:
Intellectual developmental disorder, X-linked 1. Also called: Atkin Flaitz Patil Smith syndrome; Intellectual disability, X-linked 1; MENTAL RETARDATION, X-LINKED 18; MENTAL RETARDATION, X-LINKED 78. Identifiers: Orphanet 777, MedGen C2931498, MONDO:0010656, OMIM 309530.

Allele frequency attached by ClinVar (database versions not stated): gnomAD exomes below 0.00001.
gnomAD v4.1: 1 of 1,107,549 alleles (0.00009%); highest among the groups gnomAD compares: Admixed American, 0.0032%; no homozygotes.

Submissions (2):

Labcorp Genetics (formerly Invitae), Labcorp
Classification: Uncertain significance for Intellectual developmental disorder, X-linked 1. Last evaluated: 2024-04-30. Review status: criteria provided, single submitter. Criteria: Invitae Variant Classification Sherloc (09022015). Collection method: clinical testing. Allele origin: germline.
Comment: This sequence change replaces alanine, which is neutral and non-polar, with threonine, which is neutral and polar, at codon 1374 of the IQSEC2 protein (p.Ala1374Thr). This variant is not present in population databases (gnomAD no frequency). This variant has not been reported in the literature in individuals affected with IQSEC2-related conditions. ClinVar contains an entry for this variant (Variation ID: 1007288). Advanced modeling of protein sequence and biophysical properties (such as structural, functional, and spatial information, amino acid conservation, physicochemical variation, residue mobility, and thermodynamic stability) performed at Invitae indicates that this missense variant is not expected to disrupt IQSEC2 protein function with a negative predictive value of 95%. In summary, the available evidence is currently insufficient to determine the role of this variant in disease. Therefore, it has been classified as a Variant of Uncertain Significance.

GeneDx
Classification: Uncertain significance. Last evaluated: 2024-02-07. Review status: criteria provided, single submitter. Criteria: GeneDx Variant Classification Process June 2021. Collection method: clinical testing. Allele origin: germline. Affected: yes.
Comment: Not observed at significant frequency in large population cohorts (gnomAD); In silico analysis supports that this missense variant does not alter protein structure/function; Has not been previously published as pathogenic or benign to our knowledge

NM_001111125.3(IQSEC2):c.4120G>A (p.Ala1374Thr)

Gene: IQSEC2 (IQ motif and Sec7 domain ArfGEF 2; minus strand). Cytogenetic location: Xp11.22.
Variant type: single nucleotide variant.
Coding change: c.4120G>A on transcript NM_001111125.3 (MANE Select); coding-DNA position 4120, G replaced by A.
Protein change: p.Ala1374Thr; replaces alanine 1374 with threonine.
Molecular consequence: missense variant. On other transcripts: 3 prime UTR variant (1).
Genome position (GRCh38, 1-based): chrX:53,234,566, C>T on the plus strand (G>A on the coding strand, the complement: IQSEC2 is on the minus strand). VCF-style: chrX-53234566-C-T. GRCh37 (hg19) VCF-style: chrX-53263748-C-T.
Other names: c.*605G>A (NM_015075.2); c.4120G>A (NM_001111125.1); short protein forms A1374T.
Identifiers: ClinVar variation 1007288 (VCV001007288.13), dbSNP rs2074096260, ClinGen allele CA413139450.
Genomic context (GRCh38, chrX:53,234,566, plus strand): 5'-GGTGGTGGCTGAAGATGAAGTGCTTAGGGCCCTGTTTGTGGGCTGGAGGGTGCTGGGGGG[C>T]AGGACTGTACAGGGGCAGTGGGGATGTGGGCTGGTGCAGGGGGTGGCGGCCATGTGGAGC-3'
Protein context (NP_001104595.1, residues 1364-1384): PTSPLPLYSP[Ala1374Thr]PQHPPAHKQG